The following is an entry in ClinVar:

ClinVar aggregate classification (germline): Likely pathogenic (1 of 4 stars; one submission).

Conditions:
Neuromuscular disease caused by qualitative or quantitative defects of dystrophin. Also called: Qualitative or quantitative defects of dystrophin. Identifiers: Orphanet 207085, MedGen C5679787, MONDO:0016147.

Submission:

Women's Health and Genetics/Laboratory Corporation of America, LabCorp
Classification: Likely pathogenic for Neuromuscular disease caused by qualitative or quantitative defects of dystrophin. Last evaluated: 2022-05-09. Review status: criteria provided, single submitter. Criteria: LabCorp Variant Classification Summary - May 2015. Collection method: clinical testing. Allele origin: germline.
Comment: Variant summary: The variant identified by MLPA or other technology involves the deletion of exons 31-41 in the DMD gene. A presumed nomenclature of c.(4233+1_4234-1)_(5922+1_5923-1)del has been designated for the purposes of this classification. Although exact breakpoints of this deletion are not known, it is expected to result in a large in-frame deletion change in the DMD gene, a known mechanism of disease. The variant was absent in 15745 control chromosomes (gnomAD, Structural Variants dataset). To our knowledge, no occurrence of c.(4233+1_4234-1)_(5922+1_5923-1)del in individuals affected with Dystrophinopathies and no experimental evidence demonstrating its impact on protein function have been reported. No clinical diagnostic laboratories have submitted clinical-significance assessments for this variant to ClinVar after 2014. Based on the evidence outlined above, the variant was classified as likely pathogenic.

NC_000023.10:g.(32328394_32360216)_(32408299_32429868)del

Gene: DMD (dystrophin; minus strand). Cytogenetic location: Xp21.1.
Variant type: Deletion.
Identifiers: ClinVar variation 1696239 (VCV001696239.1).